The following is an entry in ClinVar:

ClinVar aggregate classification (germline): Uncertain significance (1 of 4 stars; one submission).

Conditions:
RSF1-related neurodevelopmental disorder.

Submission:

Equipe Genetique des Anomalies du Developpement, Université de Bourgogne
Classification: Uncertain significance for RSF1-related neurodevelopmental disorder. Last evaluated: 2025-11-10. Review status: criteria provided, single submitter. Criteria: ACMG Guidelines, 2015. Collection method: research. Allele origin: de novo. Affected: yes.
Comment: This is a heterozygous de novo nonsense variant NM_016578.4:c.2983G>T p.(Glu995Ter) in the gene RSF1 (chr11:g.77394837C>A, GRCh38). This variant is predicted to introduce a premature stop codon, leading to loss of normal protein function. It is absent from the database gnomAD (v4.1.0). In silico prediction metrics support a deleterious effect (CADD-Phred: 41.00; MPA: 10). The RSF1 gene is predicted to be intolerant to haploinsufficiency (pLI: 1; pLOEUF: 0.15, gnomAD v4.1.0). According to current evidence, this variant is classified as a variant of uncertain significance (class 3, according to ACMG criteria).

NM_016578.4(RSF1):c.2983G>T (p.Glu995Ter)

Gene: RSF1 (remodeling and spacing factor 1; minus strand). Cytogenetic location: 11q14.1.
Variant type: single nucleotide variant.
Coding change: c.2983G>T on transcript NM_016578.4 (MANE Select); coding-DNA position 2983, G replaced by T.
Protein change: p.Glu995Ter; replaces glutamic acid 995 with a stop codon.
Molecular consequence: nonsense.
Genome position (GRCh38, 1-based): chr11:77,683,792, C>A on the plus strand (G>T on the coding strand, the complement: RSF1 is on the minus strand). VCF-style: chr11-77683792-C-A. GRCh37 (hg19) VCF-style: chr11-77394837-C-A.
Other names: short protein forms E995*.
Identifiers: ClinVar variation 4528929 (VCV004528929.1).